The following is an entry in ClinVar:

NM_206965.2(FTCD):c.1220C>A (p.Thr407Lys)

Gene: FTCD (formimidoyltransferase cyclodeaminase; minus strand). Cytogenetic location: 21q22.3.
Variant type: single nucleotide variant.
Coding change: c.1220C>A on transcript NM_206965.2 (MANE Select); coding-DNA position 1220, C replaced by A.
Protein change: p.Thr407Lys; replaces threonine 407 with lysine.
Molecular consequence: missense variant.
Genome position (GRCh38, 1-based): chr21:46,145,457, G>T on the plus strand (C>A on the coding strand, the complement: FTCD is on the minus strand). VCF-style: chr21-46145457-G-T. GRCh37 (hg19) VCF-style: chr21-47565371-G-T.
Other names: c.1220C>A (NM_001320412.1); c.1220C>A, p.Thr407Lys (NM_001320412.2, NM_006657.3); short protein forms T407K.
Identifiers: ClinVar variation 340422 (VCV000340422.38), dbSNP rs148920158, ClinGen allele CA10073593.

ClinVar aggregate classification (germline): Benign/Likely benign. Review status: criteria provided, multiple submitters, no conflicts (2 of 4 stars). 4 submissions from 4 submitters: Benign (2); Likely benign (2). Last evaluated 2026-01-27.

Conditions:
FTCD-related disorder. Also called: FTCD-related condition.
Glutamate formiminotransferase deficiency. Also called: Arakawa syndrome 1; Formiminoglutamic aciduria. Identifiers: Orphanet 51208, MedGen C0268609, MONDO:0009240, OMIM 229100.

Allele frequency attached by ClinVar (database versions not stated): gnomAD 0.00111 and 0.00115; TOPMed 0.00120; gnomAD exomes 0.00130 and 0.00200; ESP Exome Variant Server 0.00141; ExAC 0.00382.
gnomAD v4.1: 2,077 of 1,560,728 alleles (0.13%); highest among the groups gnomAD compares: Middle Eastern, 0.54%; 17 homozygotes.

Submissions (4):

Labcorp Genetics (formerly Invitae), Labcorp
Classification: Benign for Glutamate formiminotransferase deficiency. Last evaluated: 2026-01-27. Review status: criteria provided, single submitter. Criteria: Invitae Variant Classification Sherloc (09022015). Collection method: clinical testing. Allele origin: germline.

PreventionGenetics, part of Exact Sciences
Classification: Likely benign for FTCD-related condition. Last evaluated: 2025-05-09. Review status: criteria provided, single submitter. Criteria: ACMG Guidelines, 2015. Collection method: clinical testing. Allele origin: germline.
Comment: This variant is classified as likely benign based on ACMG/AMP sequence variant interpretation guidelines (Richards et al. 2015 PMID: 25741868, with internal and published modifications).

CeGaT Center for Human Genetics Tuebingen
Classification: Likely benign. Last evaluated: 2024-01-01. Review status: criteria provided, single submitter. Criteria: CeGaT Center For Human Genetics Tuebingen Variant Classification Criteria Version 2. Collection method: clinical testing. Allele origin: germline. Affected: yes. Observed: 2 variant alleles.
Comment: FTCD: BP4

Breakthrough Genomics
Classification: Benign. Review status: criteria provided, single submitter. Criteria: ACMG Guidelines, 2015. Collection method: not provided. Allele origin: germline. Inheritance: Autosomal recessive inheritance. Affected: yes.